The following is an entry in ClinVar:

NM_005732.4(RAD50):c.2699C>G (p.Ser900Cys)

Gene: RAD50 (RAD50 double strand break repair protein; plus strand). Cytogenetic location: 5q31.1.
Variant type: single nucleotide variant.
Coding change: c.2699C>G on transcript NM_005732.4 (MANE Select); coding-DNA position 2699, C replaced by G.
Protein change: p.Ser900Cys; replaces serine 900 with cysteine.
Molecular consequence: missense variant.
Genome position (GRCh38, 1-based): chr5:132,604,980, C>G. VCF-style: chr5-132604980-C-G. GRCh37 (hg19) VCF-style: chr5-131940672-C-G.
Other names: short protein forms S900C.
Identifiers: ClinVar variation 457412 (VCV000457412.10), dbSNP rs1554099200, ClinGen allele CA360956945.
Genomic context (GRCh38, chr5:132,604,980, plus strand): 5'-ATTTGCAACGTCGTCAGCAACTGGAGGAGCAGACTGTGGAATTATCCACTGAAGTTCAGT[C>G]TTTGTACAGAGAGATAAAGGTAAGAATATCCATACATGTTTTTTGTAAAATTATTTTAAT-3'
Protein context (NP_005723.2, residues 890-910): QTVELSTEVQ[Ser900Cys]LYREIKDAKE

ClinVar aggregate classification (germline): Uncertain significance. Review status: criteria provided, multiple submitters, no conflicts (2 of 4 stars). 2 submissions from 2 submitters: Uncertain significance (2). Last evaluated 2023-04-07.

Conditions:
Hereditary cancer-predisposing syndrome. Also called: Neoplastic Syndromes, Hereditary; Tumor predisposition; Hereditary Cancer Syndrome; Hereditary neoplastic syndrome. Identifiers: Orphanet 140162, MedGen C0027672, MeSH D009386, MONDO:0015356.

Submissions (2):

Ambry Genetics
Classification: Uncertain significance for Hereditary cancer-predisposing syndrome. Last evaluated: 2023-04-07. Review status: criteria provided, single submitter. Criteria: Ambry Variant Classification Scheme 2023. Collection method: clinical testing. Allele origin: germline.
Comment: The p.S900C variant (also known as c.2699C>G), located in coding exon 16 of the RAD50 gene, results from a C to G substitution at nucleotide position 2699. The serine at codon 900 is replaced by cysteine, an amino acid with dissimilar properties. This amino acid position is conserved. In addition, this alteration is predicted to be tolerated by in silico analysis. Since supporting evidence is limited at this time, the clinical significance of this alteration remains unclear.

Labcorp Genetics (formerly Invitae), Labcorp
Classification: Uncertain significance for Hereditary cancer-predisposing syndrome. Last evaluated: 2017-06-04. Review status: criteria provided, single submitter. Criteria: Invitae Variant Classification Sherloc (09022015). Collection method: clinical testing. Allele origin: germline.
Comment: This variant has not been reported in the literature in individuals with a RAD50-related disease. In summary, this variant has uncertain impact on RAD50 function. The available evidence is currently insufficient to determine its role in disease. Therefore, it has been classified as a Variant of Uncertain Significance. Algorithms developed to predict the effect of missense changes on protein structure and function do not agree on the potential impact of this missense change (SIFT: "Deleterious"; PolyPhen-2: "Benign"; Align-GVGD: "Class C0"). This variant is not present in population databases (ExAC no frequency). This sequence change replaces serine with cysteine at codon 900 of the RAD50 protein (p.Ser900Cys). The serine residue is moderately conserved and there is a moderate physicochemical difference between serine and cysteine.